The following is an entry in ClinVar:

NM_032043.3(BRIP1):c.1628+2T>G

Gene: BRIP1 (BRCA1 interacting DNA helicase 1; minus strand). Cytogenetic location: 17q23.2.
Variant type: single nucleotide variant.
Coding change: c.1628+2T>G on transcript NM_032043.3 (MANE Select); the canonical splice donor site of the intron after coding-DNA position 1628, T replaced by G.
Molecular consequence: splice donor variant.
Genome position (GRCh38, 1-based): chr17:61,784,268, A>C on the plus strand (T>G on the coding strand, the complement: BRIP1 is on the minus strand). VCF-style: chr17-61784268-A-C. GRCh37 (hg19) VCF-style: chr17-59861629-A-C.
Identifiers: ClinVar variation 2584219 (VCV002584219.2), dbSNP rs2145134667, ClinGen allele CA400480835.

ClinVar aggregate classification (germline): Likely pathogenic (1 of 4 stars; one submission).

Conditions:
Familial cancer of breast. Also called: BREAST CANCER, FAMILIAL; hereditary breast carcinoma; Hereditary breast cancer. Identifiers: Orphanet 227535, MedGen C0346153, MONDO:0016419, OMIM 114480. Disease mechanism: loss of function.

Submission:

Myriad Genetics, Inc.
Classification: Likely pathogenic for Familial cancer of breast. Last evaluated: 2023-06-02. Review status: criteria provided, single submitter. Criteria: Myriad Autosomal Dominant, Autosomal Recessive and X-Linked Classification Criteria (2023). Collection method: clinical testing. Allele origin: unknown.
Comment: This variant is considered likely pathogenic. This variant occurs within a consensus splice junction and is predicted to result in abnormal mRNA splicing of either an out-of-frame exon or an in-frame exon necessary for protein stability and/or normal function.